The following is an entry in ClinVar:

NM_014714.4(IFT140):c.334A>C (p.Ser112Arg)

Genes: IFT140 (intraflagellar transport 140; minus strand), LOC105371046 (uncharacterized LOC105371046; plus strand). Cytogenetic location: 16p13.3.
Variant type: single nucleotide variant.
Coding change: c.334A>C on transcript NM_014714.4 (MANE Select); coding-DNA position 334, A replaced by C.
Protein change: p.Ser112Arg; replaces serine 112 with arginine.
Molecular consequence: missense variant.
Genome position (GRCh38, 1-based): chr16:1,602,405, T>G on the plus strand (A>C on the coding strand, the complement: IFT140 is on the minus strand). VCF-style: chr16-1602405-T-G. GRCh37 (hg19) VCF-style: chr16-1652406-T-G.
Other names: short protein forms S112R.
Identifiers: ClinVar variation 1700484 (VCV001700484.2), dbSNP rs780294580, ClinGen allele CA7814745.

ClinVar aggregate classification (germline): Uncertain significance (1 of 4 stars; one submission).

Allele frequency attached by ClinVar (database versions not stated): gnomAD exomes below 0.00001; ExAC 0.00001.

Submission:

GeneDx
Classification: Uncertain significance. Last evaluated: 2022-02-04. Review status: criteria provided, single submitter. Criteria: GeneDx Variant Classification Process June 2021. Collection method: clinical testing. Allele origin: germline. Affected: yes.
Comment: Not observed at significant frequency in large population cohorts (gnomAD); In silico analysis supports that this missense variant has a deleterious effect on protein structure/function; Has not been previously published as pathogenic or benign to our knowledge